The following is an entry in ClinVar:

NM_015338.6(ASXL1):c.3511A>G (p.Arg1171Gly)

Gene: ASXL1 (ASXL transcriptional regulator 1; plus strand). Cytogenetic location: 20q11.21.
Variant type: single nucleotide variant.
Coding change: c.3511A>G on transcript NM_015338.6 (MANE Select); coding-DNA position 3511, A replaced by G.
Protein change: p.Arg1171Gly; replaces arginine 1171 with glycine.
Molecular consequence: missense variant.
Genome position (GRCh38, 1-based): chr20:32,436,223, A>G. VCF-style: chr20-32436223-A-G. GRCh37 (hg19) VCF-style: chr20-31024026-A-G.
Other names: c.3328A>G, p.Arg1110Gly (NM_001363734.1); short protein forms R1110G, R1171G.
Identifiers: ClinVar variation 3791681 (VCV003791681.1).

ClinVar aggregate classification (germline): Uncertain significance (1 of 4 stars; one submission).

Conditions:
Inborn genetic diseases. Identifiers: MedGen C0950123, MeSH D030342.

Submission:

Ambry Genetics
Classification: Uncertain significance for Inborn genetic diseases. Last evaluated: 2024-12-28. Review status: criteria provided, single submitter. Criteria: Ambry Variant Classification Scheme 2023. Collection method: clinical testing. Allele origin: germline.
Comment: The p.R1171G variant (also known as c.3511A>G), located in coding exon 13 of the ASXL1 gene, results from an A to G substitution at nucleotide position 3511. The arginine at codon 1171 is replaced by glycine, an amino acid with dissimilar properties. This amino acid position is conserved. In addition, this alteration is predicted to be tolerated by in silico analysis. Based on the available evidence, the clinical significance of this variant remains unclear.